The following is an entry in ClinVar:

ClinVar aggregate classification (germline): Uncertain significance (1 of 4 stars; one submission).

Conditions:
Charcot-Marie-Tooth disease axonal type 2L. Also called: CHARCOT-MARIE-TOOTH DISEASE, AXONAL, AUTOSOMAL DOMINANT, TYPE 2L; CHARCOT-MARIE-TOOTH NEUROPATHY, AXONAL, TYPE 2L; Charcot-Marie-Tooth Neuropathy Type 2L. Identifiers: Orphanet 99945, MedGen C1837552, MONDO:0012096, OMIM 608673.

Allele frequency attached by ClinVar (database versions not stated): gnomAD 0.00001; gnomAD exomes 0.00001; TOPMed 0.00001.
gnomAD v4.1: 23 of 1,614,006 alleles (0.0014%); highest among the groups gnomAD compares: Non-Finnish European, 0.0018%; no homozygotes.

Submission:

Labcorp Genetics (formerly Invitae), Labcorp
Classification: Uncertain significance for Charcot-Marie-Tooth disease axonal type 2L. Last evaluated: 2026-01-28. Review status: criteria provided, single submitter. Criteria: Invitae Variant Classification Sherloc (09022015). Collection method: clinical testing. Allele origin: germline.
Comment: This sequence change replaces glutamic acid, which is acidic and polar, with glycine, which is neutral and non-polar, at codon 179 of the HSPB8 protein (p.Glu179Gly). This variant is not present in population databases (gnomAD no frequency). This variant has not been reported in the literature in individuals affected with HSPB8-related conditions. ClinVar contains an entry for this variant (Variation ID: 216679). An algorithm developed to predict the effect of missense changes on protein structure and function (PolyPhen-2) suggests that this variant is likely to be tolerated. In summary, the available evidence is currently insufficient to determine the role of this variant in disease. Therefore, it has been classified as a Variant of Uncertain Significance.

NM_014365.3(HSPB8):c.536A>G (p.Glu179Gly)

Gene: HSPB8 (heat shock protein family B (small) member 8; plus strand). Cytogenetic location: 12q24.23.
Variant type: single nucleotide variant.
Coding change: c.536A>G on transcript NM_014365.3 (MANE Select); coding-DNA position 536, A replaced by G.
Protein change: p.Glu179Gly; replaces glutamic acid 179 with glycine.
Molecular consequence: missense variant.
Genome position (GRCh38, 1-based): chr12:119,193,803, A>G. VCF-style: chr12-119193803-A-G. GRCh37 (hg19) VCF-style: chr12-119631608-A-G.
Other names: short protein forms E179G.
Identifiers: ClinVar variation 216679 (VCV000216679.10), dbSNP rs863224767, ClinGen allele CA339046.
Genomic context (GRCh38, chr12:119,193,803, plus strand): 5'-CCCCAGAGGGTCTGCTGATCATCGAAGCTCCCCAGGTCCCTCCTTACTCAACATTTGGAG[A>G]GAGCAGTTTCAACAACGAGCTTCCCCAGGACAGCCAGGAAGTCACCTGTACCTGAGATGC-3'
Protein context (NP_055180.1, residues 169-189): PQVPPYSTFG[Glu179Gly]SSFNNELPQD